The following is an entry in ClinVar:

ClinVar aggregate classification (germline): Likely benign. Review status: criteria provided, single submitter (1 of 4 stars). 2 submissions from 2 submitters: Likely benign (1). 1 of the submissions does not count toward it. Last evaluated 2021-12-10.

Conditions:
MAP3K14-related disorder. Also called: MAP3K14-related condition.
NIK deficiency. Also called: Primary immunodeficiency with multifaceted aberrant lymphoid immunity. Identifiers: Orphanet 447731, MedGen C5680065, MONDO:0018642.

Submissions (2):

Labcorp Genetics (formerly Invitae), Labcorp
Classification: Likely benign for NIK deficiency. Last evaluated: 2021-12-10. Review status: criteria provided, single submitter. Criteria: Invitae Variant Classification Sherloc (09022015). Collection method: clinical testing. Allele origin: germline.

PreventionGenetics, part of Exact Sciences
Classification: Likely benign for MAP3K14-related condition. Last evaluated: 2020-09-21. Review status: no assertion criteria provided. Collection method: clinical testing. Allele origin: germline. Not counted in ClinVar's aggregate classification.
Comment: This variant is classified as likely benign based on ACMG/AMP sequence variant interpretation guidelines (Richards et al. 2015 PMID: 25741868, with internal and published modifications).

NM_003954.5(MAP3K14):c.538-9C>G

Gene: MAP3K14 (mitogen-activated protein kinase kinase kinase 14; minus strand). Cytogenetic location: 17q21.31.
Variant type: single nucleotide variant.
Coding change: c.538-9C>G on transcript NM_003954.5 (MANE Select); 9 bases into the intron before coding-DNA position 538, C replaced by G.
Molecular consequence: intron variant.
Genome position (GRCh38, 1-based): chr17:45,287,054, G>C on the plus strand (C>G on the coding strand, the complement: MAP3K14 is on the minus strand). VCF-style: chr17-45287054-G-C. GRCh37 (hg19) VCF-style: chr17-43364420-G-C.
Identifiers: ClinVar variation 2039182 (VCV002039182.6), dbSNP rs2509021695, ClinGen allele CA2580093941.
Genomic context (GRCh38, chr17:45,287,054, plus strand): 5'-TGAACTGCGGGGTGTTTCTAACATATGGGGCGCCGAGTGGAGACTCATCCTCCTGCGGGG[G>C]GAAACACAGCTATCAGCACAGAGGGCCAGGGCCCAGGGACAGGCTCCAATTTCAAGGCCC-3'